The following is an entry in ClinVar:

NM_002029.4(FPR1):c.993C>T (p.Thr331=)

Gene: FPR1 (formyl peptide receptor 1; minus strand). Cytogenetic location: 19q13.41.
Variant type: single nucleotide variant.
Coding change: c.993C>T on transcript NM_002029.4 (MANE Select); coding-DNA position 993, C replaced by T.
Protein change: p.Thr331=; no amino-acid change (threonine 331 retained).
Molecular consequence: synonymous variant.
Genome position (GRCh38, 1-based): chr19:51,746,002, G>A on the plus strand (C>T on the coding strand, the complement: FPR1 is on the minus strand). VCF-style: chr19-51746002-G-A. GRCh37 (hg19) VCF-style: chr19-52249255-G-A.
Other names: c.993C>T, p.Thr331= (NM_001193306.2).
Identifiers: ClinVar variation 402875 (VCV000402875.16), dbSNP rs17849971, ClinGen allele CA9616344.

ClinVar aggregate classification (germline): Benign. Review status: criteria provided, multiple submitters, no conflicts (2 of 4 stars). 3 submissions from 3 submitters: Benign (3). Last evaluated 2026-02-01.

Conditions:
Gingival disorder. Also called: Gingival disease. Identifiers: MedGen C0017563, MONDO:0002021.

Allele frequency attached by ClinVar (database versions not stated): 1000 Genomes Project 0.00779; 1000 Genomes Project 30x 0.00781; TOPMed 0.01759; gnomAD 0.02059 and 0.02106; gnomAD exomes 0.02102 and 0.02808; ExAC 0.02114; ESP Exome Variant Server 0.02268.
gnomAD v4.1: 44,006 of 1,614,118 alleles (2.7%); highest among the groups gnomAD compares: Non-Finnish European, 3.2%; 776 homozygotes.

Submissions (3):

Labcorp Genetics (formerly Invitae), Labcorp
Classification: Benign for Gingival disorder. Last evaluated: 2026-02-01. Review status: criteria provided, single submitter. Criteria: Invitae Variant Classification Sherloc (09022015). Collection method: clinical testing. Allele origin: germline.

Laboratory for Molecular Medicine, Mass General Brigham Personalized Medicine
Classification: Benign. Last evaluated: 2016-03-28. Review status: criteria provided, single submitter. Criteria: LMM Criteria. Collection method: clinical testing. Allele origin: germline.
Comment: Variant identified in a genome or exome case(s) and assessed due to predicted null impact of the variant or pathogenic assertions in the literature or databases. Disclaimer: This variant has not undergone full assessment. The following are preliminary notes: Frequency

Breakthrough Genomics
Classification: Benign. Review status: criteria provided, single submitter. Criteria: ACMG Guidelines, 2015. Collection method: not provided. Allele origin: germline. Inheritance: Unknown mechanism. Affected: yes.